The following is an entry in ClinVar:

NC_000014.9:g.64769729del

Gene: SPTB (spectrin beta, erythrocytic; minus strand). Cytogenetic location: 14q23.3.
Variant type: Deletion.
Genome position: GRCh38 VCF-style: chr14-64769726-TC-T. GRCh37 (hg19) VCF-style: chr14-65236444-TC-T.
Identifiers: ClinVar variation 3766517 (VCV003766517.1).
Genomic context (GRCh38, chr14:64,769,726, plus strand): 5'-GTTTCAATCTCTGCATTGATGCCCTGGTGATACTTCATGAGCAGTTCCACAGAGGAGACA[TC>T]CCTGGGGGACAGGAGGACAAGGGAAGAAGGGAACTCTGGGTCACTCTGGCCTGCCTCTGT-3'

ClinVar aggregate classification (germline): Pathogenic (1 of 4 stars; one submission).

Submission:

ARUP Laboratories, Molecular Genetics and Genomics, ARUP Laboratories
Classification: Pathogenic. Last evaluated: 2024-03-19. Review status: criteria provided, single submitter. Criteria: ARUP Molecular Germline Variant Investigation Process 2024. Collection method: clinical testing. Allele origin: germline.
Comment: The SPTB c.5800del; p.Asp1934MetfsTer9 variant, to our knowledge, is not reported in the medical literature or gene specific databases. This variant is also absent from the Genome Aggregation Database (v2.1.1), indicating it is not a common polymorphism. This variant causes a frameshift by deleting a single nucleotide, so it is predicted to result in a truncated protein or mRNA subject to nonsense-mediated decay. Based on available information, this variant is considered to be pathogenic.